The following is an entry in ClinVar:

ClinVar aggregate classification (germline): Uncertain significance. Review status: criteria provided, multiple submitters, no conflicts (2 of 4 stars). 2 submissions from 2 submitters: Uncertain significance (2). Last evaluated 2026-02-04.

Conditions:
Hereditary cancer-predisposing syndrome. Also called: Neoplastic Syndromes, Hereditary; Hereditary Cancer Syndrome; Hereditary neoplastic syndrome; Tumor predisposition. Identifiers: Orphanet 140162, MedGen C0027672, MeSH D009386, MONDO:0015356.
Gorlin syndrome. Also called: Nevoid Basal Cell Carcinoma Syndrome; Basal cell nevus syndrome. Identifiers: Orphanet 377, MedGen C0004779, MONDO:0007187.

Submissions (2):

Ambry Genetics
Classification: Uncertain significance for Hereditary cancer-predisposing syndrome. Last evaluated: 2026-02-04. Review status: criteria provided, single submitter. Criteria: Ambry Variant Classification Scheme 2023. Collection method: clinical testing. Allele origin: germline.
Comment: The p.G288S variant (also known as c.862G>A), located in coding exon 6 of the PTCH1 gene, results from a G to A substitution at nucleotide position 862. The glycine at codon 288 is replaced by serine, an amino acid with similar properties. This amino acid position is highly conserved in available vertebrate species. In addition, this alteration is predicted to be deleterious by in silico analysis. Based on the available evidence, the clinical significance of this variant remains unclear.

Labcorp Genetics (formerly Invitae), Labcorp
Classification: Uncertain significance for Gorlin syndrome. Last evaluated: 2024-09-10. Review status: criteria provided, single submitter. Criteria: Invitae Variant Classification Sherloc (09022015). Collection method: clinical testing. Allele origin: germline.
Comment: This sequence change replaces glycine, which is neutral and non-polar, with serine, which is neutral and polar, at codon 288 of the PTCH1 protein (p.Gly288Ser). This variant is not present in population databases (gnomAD no frequency). This variant has not been reported in the literature in individuals affected with PTCH1-related conditions. Invitae Evidence Modeling of protein sequence and biophysical properties (such as structural, functional, and spatial information, amino acid conservation, physicochemical variation, residue mobility, and thermodynamic stability) indicates that this missense variant is not expected to disrupt PTCH1 protein function with a negative predictive value of 95%. Algorithms developed to predict the effect of sequence changes on RNA splicing suggest that this variant may create or strengthen a splice site. In summary, the available evidence is currently insufficient to determine the role of this variant in disease. Therefore, it has been classified as a Variant of Uncertain Significance.

NM_000264.5(PTCH1):c.862G>A (p.Gly288Ser)

Gene: PTCH1 (patched 1; minus strand). Cytogenetic location: 9q22.32.
Variant type: single nucleotide variant.
Coding change: c.862G>A on transcript NM_000264.5 (MANE Select); coding-DNA position 862, G replaced by A.
Protein change: p.Gly288Ser; replaces glycine 288 with serine.
Molecular consequence: missense variant. On other transcripts: non-coding transcript variant (1).
Genome position (GRCh38, 1-based): chr9:95,480,473, C>T on the plus strand (G>A on the coding strand, the complement: PTCH1 is on the minus strand). VCF-style: chr9-95480473-C-T. GRCh37 (hg19) VCF-style: chr9-98242755-C-T.
Other names: c.664G>A, p.Gly222Ser (NM_001083602.3); c.859G>A, p.Gly287Ser (NM_001083603.3); c.409G>A, p.Gly137Ser (NM_001083604.3, NM_001083605.3, NM_001083606.3 and 1 more transcripts); c.862G>A, p.Gly288Ser (NM_001354918.2); short protein forms G137S, G222S, G287S, G288S.
Identifiers: ClinVar variation 3624908 (VCV003624908.3).
Genomic context (GRCh38, chr9:95,480,473, plus strand): 5'-CTGTGGCGGGGCAGTCTGGATCGGCCGGATTGAGGCAGGGGCGGTCCATGTAACCATGAC[C>T]AACCTCAGCCTTATTCAGCATTTCCTCCCAGCTGTCCACTTGATAGTTTATTTTCTTTAA-3'
Protein context (NP_000255.2, residues 278-298): WEEMLNKAEV[Gly288Ser]HGYMDRPCLN